The following is an entry in ClinVar:

ClinVar aggregate classification (germline): Uncertain significance (1 of 4 stars; one submission).

Conditions:
Gastrointestinal stromal tumor. Also called: Gastrointestinal stromal tumor, somatic; Gastrointestinal stroma tumor. Identifiers: Orphanet 44890, MedGen C0238198, MeSH D046152, MONDO:0011719, OMIM 606764, HP:0100723.

Allele frequency attached by ClinVar (database versions not stated): gnomAD 0.00001; TOPMed below 0.00001.

Submission:

Labcorp Genetics (formerly Invitae), Labcorp
Classification: Uncertain significance for Gastrointestinal stromal tumor. Last evaluated: 2023-07-09. Review status: criteria provided, single submitter. Criteria: Invitae Variant Classification Sherloc (09022015). Collection method: clinical testing. Allele origin: germline.
Comment: Experimental studies and prediction algorithms are not available or were not evaluated, and the functional significance of this variant is currently unknown. This sequence change affects the initiator methionine of the PDGFRA mRNA. The next in-frame methionine is located at codon 61. This variant is not present in population databases (gnomAD no frequency). This variant has not been reported in the literature in individuals affected with PDGFRA-related conditions. In summary, the available evidence is currently insufficient to determine the role of this variant in disease. Therefore, it has been classified as a Variant of Uncertain Significance.

NM_006206.6(PDGFRA):c.1A>G (p.Met1Val)

Gene: PDGFRA (platelet derived growth factor receptor alpha; plus strand). Cytogenetic location: 4q12.
Variant type: single nucleotide variant.
Coding change: c.1A>G on transcript NM_006206.6 (MANE Select); coding-DNA position 1, A replaced by G.
Protein change: p.Met1Val; changes the start codon (methionine 1).
Molecular consequence: missense variant, initiator codon variant.
Genome position (GRCh38, 1-based): chr4:54,258,769, A>G. VCF-style: chr4-54258769-A-G. GRCh37 (hg19) VCF-style: chr4-55124936-A-G.
Other names: c.1A>G, p.Met1Val (NM_001347827.2, NM_001347829.2); c.76A>G, p.Met26Val (NM_001347828.2); c.40A>G, p.Met14Val (NM_001347830.2); short protein forms M26V, M14V, M1V.
Identifiers: ClinVar variation 2808820 (VCV002808820.3), dbSNP rs1722515609, ClinGen allele CA356888033.